The following is an entry in ClinVar:

NM_006268.5(DPF2):c.637+532C>G

Gene: DPF2 (double PHD fingers 2; plus strand). Cytogenetic location: 11q13.1.
Variant type: single nucleotide variant.
Coding change: c.637+532C>G on transcript NM_006268.5 (MANE Select); 532 bases into the intron after coding-DNA position 637, C replaced by G.
Molecular consequence: intron variant. On other transcripts: missense variant (1).
Genome position (GRCh38, 1-based): chr11:65,344,601, C>G. VCF-style: chr11-65344601-C-G. GRCh37 (hg19) VCF-style: chr11-65112072-C-G.
Other names: c.659C>G, p.Thr220Ser (NM_001330308.2); short protein forms T220S.
Identifiers: ClinVar variation 5020933 (VCV005020933.1).

ClinVar aggregate classification (germline): Uncertain significance (1 of 4 stars; one submission).

Submission:

Dasa
Classification: Uncertain significance. Last evaluated: 2025-06-21. Review status: criteria provided, single submitter. Criteria: DASA Assertion Criteria. Collection method: clinical testing. Allele origin: germline.
Comment: NM_001330308.2(DPF2):c.659C>G (p.Thr220Ser) is a missense variant that results in the substitution of threonine with serine. This variant is absent from population databases. Computational prediction algorithms are consistent with a benign effect. The currently available literature and clinical evidence are not sufficient to establish a definitive association between this variant and the reported condition. Therefore, this variant is classified as a variant of uncertain significance.